The following is an entry in ClinVar:

ClinVar aggregate classification (germline): Benign. Review status: criteria provided, multiple submitters, no conflicts (2 of 4 stars). 6 submissions from 6 submitters: Benign (5). 1 of the submissions does not count toward it. Last evaluated 2026-02-02.

Conditions:
Glycogen storage disease due to muscle beta-enolase deficiency (GSD13). Also called: ENOLASE 3 DEFICIENCY; ENOLASE-BETA DEFICIENCY; GSD XIII; Glycogen Storage Disease Type XIII. Identifiers: Orphanet 99849, MedGen C2752027, MONDO:0013046, OMIM 612932.

Allele frequency attached by ClinVar (database versions not stated): gnomAD exomes 0.00237; ExAC 0.00307; 1000 Genomes Project 0.00899; gnomAD 0.00911 and 0.00983; 1000 Genomes Project 30x 0.00937; TOPMed 0.01035; ESP Exome Variant Server 0.01046.

Submissions (6):

Labcorp Genetics (formerly Invitae), Labcorp
Classification: Benign for Glycogen storage disease due to muscle beta-enolase deficiency. Last evaluated: 2026-02-02. Review status: criteria provided, single submitter. Criteria: Invitae Variant Classification Sherloc (09022015). Collection method: clinical testing. Allele origin: germline.

ARUP Laboratories, Molecular Genetics and Genomics, ARUP Laboratories
Classification: Benign for Glycogen storage disease due to muscle beta-enolase deficiency. Last evaluated: 2022-03-07. Review status: criteria provided, single submitter. Criteria: ARUP Molecular Germline Variant Investigation Process 2021. Collection method: clinical testing. Allele origin: germline.

Illumina Laboratory Services, Illumina
Classification: Benign for Glycogen storage disease due to muscle beta-enolase deficiency. Last evaluated: 2018-01-13. Review status: criteria provided, single submitter. Criteria: ICSL Variant Classification Criteria 13 December 2019. Collection method: clinical testing. Allele origin: germline.
Comment: This variant was observed in the ICSL laboratory as part of a predisposition screen in an ostensibly healthy population. It had not been previously curated by ICSL or reported in the Human Gene Mutation Database (HGMD: prior to June 1st, 2018), and was therefore a candidate for classification through an automated scoring system. Utilizing variant allele frequency, disease prevalence and penetrance estimates, and inheritance mode, an automated score was calculated to assess if this variant is too frequent to cause the disease. Based on the score and internal cut-off values, a variant classified as benign is not then subjected to further curation. The score for this variant resulted in a classification of benign for this disease.

GeneDx
Classification: Benign. Last evaluated: 2016-02-23. Review status: criteria provided, single submitter. Criteria: GeneDx Variant Classification (06012015). Collection method: clinical testing. Allele origin: germline. Affected: yes.
Comment: This variant is considered likely benign or benign based on one or more of the following criteria: it is a conservative change, it occurs at a poorly conserved position in the protein, it is predicted to be benign by multiple in silico algorithms, and/or has population frequency not consistent with disease.

Breakthrough Genomics
Classification: Benign. Review status: criteria provided, single submitter. Criteria: ACMG Guidelines, 2015. Collection method: not provided. Allele origin: germline. Inheritance: Autosomal recessive inheritance. Affected: yes.

Mayo Clinic Laboratories, Mayo Clinic
Classification: Benign. Last evaluated: 2017-11-03. Review status: no assertion criteria provided. Collection method: clinical testing. Allele origin: unknown. Not counted in ClinVar's aggregate classification.

NM_053013.4(ENO3):c.994G>A (p.Val332Ile)

Gene: ENO3 (enolase 3; plus strand). Cytogenetic location: 17p13.2.
Variant type: single nucleotide variant.
Coding change: c.994G>A on transcript NM_053013.4 (MANE Select); coding-DNA position 994, G replaced by A.
Protein change: p.Val332Ile; replaces valine 332 with isoleucine.
Molecular consequence: missense variant.
Genome position (GRCh38, 1-based): chr17:4,956,070, G>A. VCF-style: chr17-4956070-G-A. GRCh37 (hg19) VCF-style: chr17-4859365-G-A.
Other names: c.865G>A, p.Val289Ile (NM_001193503.2); c.994G>A, p.Val332Ile (NM_001976.5); short protein forms V332I, V289I.
Identifiers: ClinVar variation 324149 (VCV000324149.21), dbSNP rs61735456, ClinGen allele CA8316505.
Genomic context (GRCh38, chr17:4,956,070, plus strand): 5'-AACATCCAGATTGTGGGGGATGACTTGACAGTCACCAACCCCAAGAGGATTGCCCAGGCC[G>A]TTGAGAAGAAGGCCTGCAACTGTCTGCTGCTGAAGGTCAACCAGATCGGCTCGGTGACCG-3'
Protein context (NP_443739.3, residues 322-342): VTNPKRIAQA[Val332Ile]EKKACNCLLL